The following is an entry in ClinVar:

ClinVar aggregate classification (germline): Likely pathogenic (1 of 4 stars; one submission).

Conditions:
Autosomal recessive limb-girdle muscular dystrophy type 2J (LGMDR10). Also called: Limb-girdle muscular dystrophy, type 2J; MUSCULAR DYSTROPHY, LIMB-GIRDLE, AUTOSOMAL RECESSIVE 10. Identifiers: Orphanet 140922, MedGen C1837342, MONDO:0012127, OMIM 608807.
Dilated cardiomyopathy 1G (CMD1G). Identifiers: Orphanet 154, MedGen C1858763, MONDO:0011400, OMIM 604145.

Submission:

Labcorp Genetics (formerly Invitae), Labcorp
Classification: Likely pathogenic for Dilated cardiomyopathy 1G; Autosomal recessive limb-girdle muscular dystrophy type 2J. Last evaluated: 2025-11-12. Review status: criteria provided, single submitter. Criteria: Invitae Variant Classification Sherloc (09022015). Collection method: clinical testing. Allele origin: germline.
Comment: This sequence change creates a premature translational stop signal (p.Phe26675Leufs*2) in the TTN gene. While this is not anticipated to result in nonsense mediated decay, it is expected to create a truncated TTN protein. This variant is not present in population databases (gnomAD no frequency). This variant has not been reported in the literature in individuals affected with TTN-related conditions. This variant is located in the A band of TTN (PMID: 25589632). Truncating variants in this region are significantly overrepresented in patients affected with dilated cardiomyopathy (PMID: 25589632). Truncating variants in this region have also been reported in individuals affected with autosomal recessive centronuclear myopathy (PMID: 23975875). In summary, the currently available evidence indicates that the variant is pathogenic, but additional data are needed to prove that conclusively. Therefore, this variant has been classified as Likely Pathogenic.

Literature cited by the submitters: PubMed 25589632; PubMed 23975875.

NM_001267550.2(TTN):c.80025del (p.Phe26675fs)

Genes: TTN (titin; minus strand), TTN-AS1 (TTN antisense RNA 1; plus strand). Cytogenetic location: 2q31.2.
Variant type: Deletion.
Coding change: c.80025del on transcript NM_001267550.2 (MANE Select); coding-DNA position 80025, one base deleted (T; older notation c.80025delT).
Protein change: p.Phe26675fs; shifts the reading frame from phenylalanine 26675.
Molecular consequence: frameshift variant.
Genome position (GRCh38, 1-based): chr2:178,566,107, A deleted on the plus strand (T on the coding strand, the reverse complement: TTN is on the minus strand); the first of 4 consecutive A bases (chr2:178,566,107-178,566,110); deleting any one gives the same sequence. VCF-style (leftmost placement, unchanged base first): chr2-178566106-CA-C. GRCh37 (hg19) VCF-style: chr2-179430833-CA-C.
Other names: c.75102del, p.Phe25034fs (NM_001256850.1); c.52830del, p.Phe17610fs (NM_003319.4); c.72321del, p.Phe24107fs (NM_133378.4); c.53205del, p.Phe17735fs (NM_133432.3); c.53406del, p.Phe17802fs (NM_133437.4); short protein forms F17735fs, F24107fs, F26675fs, F25034fs, F17610fs, F17802fs.
Identifiers: ClinVar variation 4786694 (VCV004786694.1).
Genomic context (GRCh38, chr2:178,566,106, plus strand): 5'-TCACTTCTTTGACTGCCAAATTCTGTGGTGGTCCTGGAGTGTCAAGAACTTTCACAGTTA[CA>C]AAAGCAGACTTTGATCCACTGCTGTTTTCCAACTTAAGAATGTATTTTCCAGCATCATTT-3'